The following is an entry in ClinVar:

NM_001355436.2(SPTB):c.1523G>A (p.Arg508His)

Gene: SPTB (spectrin beta, erythrocytic; minus strand). Cytogenetic location: 14q23.3.
Variant type: single nucleotide variant.
Coding change: c.1523G>A on transcript NM_001355436.2 (MANE Select); coding-DNA position 1523, G replaced by A.
Protein change: p.Arg508His; replaces arginine 508 with histidine.
Molecular consequence: missense variant.
Genome position (GRCh38, 1-based): chr14:64,795,458, C>T on the plus strand (G>A on the coding strand, the complement: SPTB is on the minus strand). VCF-style: chr14-64795458-C-T. GRCh37 (hg19) VCF-style: chr14-65262176-C-T.
Other names: NM_000347.5:c.1523G>A; p.Arg508His; c.1523G>A, p.Arg508His (NM_001024858.4, NM_001355437.2); short protein forms R508H.
Identifiers: ClinVar variation 2436444 (VCV002436444.6), dbSNP rs142541718, ClinGen allele CA7231088.

ClinVar aggregate classification (germline): Conflicting classifications of pathogenicity. Review status: criteria provided, conflicting classifications (1 of 4 stars). 4 submissions from 4 submitters: Uncertain significance (3); Likely benign (1). Last evaluated 2025-08-19.

Conditions:
Inborn genetic diseases. Identifiers: MedGen C0950123, MeSH D030342.

Allele frequency attached by ClinVar (database versions not stated): gnomAD exomes 0.00005; 1000 Genomes Project 0.00100; ExAC 0.00014; gnomAD 0.00040; ESP Exome Variant Server 0.00069; 1000 Genomes Project 30x 0.00109; TOPMed 0.00045.
gnomAD v4.1: 133 of 1,614,172 alleles (0.0082%); highest among the groups gnomAD compares: African/African-American, 0.15%; no homozygotes.

Submissions (4):

Mayo Clinic Laboratories, Mayo Clinic
Classification: Uncertain significance. Last evaluated: 2025-08-19. Review status: criteria provided, single submitter. Criteria: ACMG Guidelines, 2015. Collection method: clinical testing. Allele origin: germline. Observed: 2 variant alleles.
Comment: PM2_supporting

Ambry Genetics
Classification: Uncertain significance for Inborn genetic diseases. Last evaluated: 2025-01-28. Review status: criteria provided, single submitter. Criteria: Ambry Variant Classification Scheme 2023. Collection method: clinical testing. Allele origin: germline.

ARUP Laboratories, Molecular Genetics and Genomics, ARUP Laboratories
Classification: Likely benign. Last evaluated: 2023-10-27. Review status: criteria provided, single submitter. Criteria: ARUP Molecular Germline Variant Investigation Process 2024. Collection method: clinical testing. Allele origin: germline.

Revvity Omics, Revvity
Classification: Uncertain significance. Last evaluated: 2023-08-29. Review status: criteria provided, single submitter. Criteria: ACMG Guidelines, 2015. Collection method: clinical testing. Allele origin: germline.